The following is an entry in ClinVar:

NM_000358.3(TGFBI):c.1061A>G (p.Asn354Ser)

Gene: TGFBI (transforming growth factor beta induced; plus strand). Cytogenetic location: 5q31.1.
Variant type: single nucleotide variant.
Coding change: c.1061A>G on transcript NM_000358.3 (MANE Select); coding-DNA position 1061, A replaced by G.
Protein change: p.Asn354Ser; replaces asparagine 354 with serine.
Molecular consequence: missense variant.
Genome position (GRCh38, 1-based): chr5:136,053,054, A>G. VCF-style: chr5-136053054-A-G. GRCh37 (hg19) VCF-style: chr5-135388743-A-G.
Other names: short protein forms N354S.
Identifiers: ClinVar variation 350881 (VCV000350881.7), dbSNP rs201158209, ClinGen allele CA3420239.
Genomic context (GRCh38, chr5:136,053,054, plus strand): 5'-CACTGGAGGTGGGCTGCAGCGGGGACATGCTCACTATCAACGGGAAGGCGATCATCTCCA[A>G]TAAAGACATCCTAGCCACCAACGGGGTGATCCACTACATTGATGAGCTACTCATCCCAGA-3'
Protein context (NP_000349.1, residues 344-364): LTINGKAIIS[Asn354Ser]KDILATNGVI

ClinVar aggregate classification (germline): Uncertain significance. Review status: criteria provided, multiple submitters, no conflicts (2 of 4 stars). 2 submissions from 2 submitters: Uncertain significance (2). Last evaluated 2024-08-31.

Conditions:
Corneal dystrophy. Identifiers: Orphanet 34533, MedGen C0010036, MONDO:0018102, HP:0001131.

Allele frequency attached by ClinVar (database versions not stated): 1000 Genomes Project 0.00020; gnomAD exomes 0.00020 and 0.00037; ExAC 0.00021; TOPMed 0.00024; gnomAD 0.00026 and 0.00029; 1000 Genomes Project 30x 0.00031; ESP Exome Variant Server 0.00048.

Submissions (2):

Labcorp Genetics (formerly Invitae), Labcorp
Classification: Uncertain significance. Last evaluated: 2024-08-31. Review status: criteria provided, single submitter. Criteria: Invitae Variant Classification Sherloc (09022015). Collection method: clinical testing. Allele origin: germline.
Comment: This sequence change replaces asparagine, which is neutral and polar, with serine, which is neutral and polar, at codon 354 of the TGFBI protein (p.Asn354Ser). This variant is present in population databases (rs201158209, gnomAD 0.04%). This variant has not been reported in the literature in individuals affected with TGFBI-related conditions. ClinVar contains an entry for this variant (Variation ID: 350881). Invitae Evidence Modeling of protein sequence and biophysical properties (such as structural, functional, and spatial information, amino acid conservation, physicochemical variation, residue mobility, and thermodynamic stability) indicates that this missense variant is not expected to disrupt TGFBI protein function with a negative predictive value of 80%. In summary, the available evidence is currently insufficient to determine the role of this variant in disease. Therefore, it has been classified as a Variant of Uncertain Significance.

Illumina Laboratory Services, Illumina
Classification: Uncertain significance for Corneal dystrophy. Last evaluated: 2018-01-13. Review status: criteria provided, single submitter. Criteria: ICSL Variant Classification Criteria 13 December 2019. Collection method: clinical testing. Allele origin: germline.